The following is an entry in ClinVar:

NM_004360.5(CDH1):c.2426A>G (p.Asn809Ser)

Gene: CDH1 (cadherin 1; plus strand). Cytogenetic location: 16q22.1.
Variant type: single nucleotide variant.
Coding change: c.2426A>G on transcript NM_004360.5 (MANE Select); coding-DNA position 2426, A replaced by G.
Protein change: p.Asn809Ser; replaces asparagine 809 with serine.
Molecular consequence: missense variant.
Genome position (GRCh38, 1-based): chr16:68,829,784, A>G. VCF-style: chr16-68829784-A-G. GRCh37 (hg19) VCF-style: chr16-68863687-A-G.
Other names: c.2426A>G (LRG_301t1, NM_004360.4); c.2243A>G, p.Asn748Ser (NM_001317184.2); c.878A>G, p.Asn293Ser (NM_001317185.2); c.461A>G, p.Asn154Ser (NM_001317186.2); short protein forms N809S, N154S, N748S, N293S.
Identifiers: ClinVar variation 578300 (VCV000578300.14), dbSNP rs1427872591, ClinGen allele CA396471334.

ClinVar aggregate classification (germline): Uncertain significance. Review status: criteria provided, multiple submitters, no conflicts (2 of 4 stars). 4 submissions from 4 submitters: Uncertain significance (4). Last evaluated 2024-07-15.

Conditions:
Hereditary diffuse gastric adenocarcinoma (HDGC). Also called: DIFFUSE GASTRIC AND LOBULAR BREAST CANCER SYNDROME. Identifiers: Orphanet 26106, MedGen C1708349, MONDO:0007648, OMIM 137215.
Hereditary cancer-predisposing syndrome. Also called: Hereditary neoplastic syndrome; Tumor predisposition; Hereditary Cancer Syndrome; Neoplastic Syndromes, Hereditary. Identifiers: Orphanet 140162, MedGen C0027672, MeSH D009386, MONDO:0015356.

Allele frequency attached by ClinVar (database versions not stated): gnomAD exomes below 0.00001; gnomAD 0.00001; TOPMed 0.00001.
gnomAD v4.1: 2 of 1,613,888 alleles (0.00012%); highest among the groups gnomAD compares: Non-Finnish European, 0.00017%; no homozygotes.

Submissions (4):

Ambry Genetics
Classification: Uncertain significance for Hereditary cancer-predisposing syndrome. Last evaluated: 2024-07-15. Review status: criteria provided, single submitter. Criteria: Ambry Variant Classification Scheme 2023. Collection method: clinical testing. Allele origin: germline.
Comment: The p.N809S variant (also known as c.2426A>G), located in coding exon 15 of the CDH1 gene, results from an A to G substitution at nucleotide position 2426. The asparagine at codon 809 is replaced by serine, an amino acid with highly similar properties. This amino acid position is well conserved in available vertebrate species. In addition, this alteration is predicted to be tolerated by in silico analysis. Since supporting evidence is limited at this time, the clinical significance of this alteration remains unclear. Since supporting evidence is limited at this time, the clinical significance of this alteration remains unclear.

Quest Diagnostics Nichols Institute San Juan Capistrano
Classification: Uncertain significance. Last evaluated: 2024-06-19. Review status: criteria provided, single submitter. Criteria: Quest Diagnostics criteria. Collection method: clinical testing. Allele origin: unknown.
Comment: The CDH1 c.2426A>G (p.Asn809Ser) variant has been reported in the published literature in a tumor sample of at least one individual with colorectal cancer (PMID: 25164765 (2014)). The frequency of this variant in the general population, 0.000032 (1/31354 chromosomes (Genome Aggregation Database)), is uninformative in the assessment of its pathogenicity. Analysis of this variant using bioinformatics tools for the prediction of the effect of amino acid changes on protein structure and function yielded conflicting predictions that this variant is benign or damaging. Based on the available information, we are unable to determine the clinical significance of this variant.

Color Diagnostics, LLC DBA Color Health
Classification: Uncertain significance for Hereditary cancer-predisposing syndrome. Last evaluated: 2023-11-20. Review status: criteria provided, single submitter. Criteria: ACMG Guidelines, 2015. Collection method: clinical testing. Allele origin: germline.
Comment: This missense variant replaces asparagine with serine at codon 809 of the CDH1 protein. To our knowledge, functional studies have not been reported for this variant. This variant has not been reported in individuals affected with CDH1-related disorders in the literature. This variant has been identified in 1/31354 chromosomes in the general population by the Genome Aggregation Database (gnomAD). The available evidence is insufficient to determine the role of this variant in disease conclusively. Therefore, this variant is classified as a Variant of Uncertain Significance.

Labcorp Genetics (formerly Invitae), Labcorp
Classification: Uncertain significance for Hereditary diffuse gastric adenocarcinoma. Last evaluated: 2021-11-05. Review status: criteria provided, single submitter. Criteria: Invitae Variant Classification Sherloc (09022015). Collection method: clinical testing. Allele origin: germline.
Comment: Algorithms developed to predict the effect of missense changes on protein structure and function are either unavailable or do not agree on the potential impact of this missense change (SIFT: "Deleterious"; PolyPhen-2: "Probably Damaging"; Align-GVGD: "Class C0"). In summary, the available evidence is currently insufficient to determine the role of this variant in disease. Therefore, it has been classified as a Variant of Uncertain Significance. ClinVar contains an entry for this variant (Variation ID: 578300). This variant has not been reported in the literature in individuals affected with CDH1-related conditions. This variant is present in population databases (no rsID available, gnomAD 0.007%). This sequence change replaces asparagine, which is neutral and polar, with serine, which is neutral and polar, at codon 809 of the CDH1 protein (p.Asn809Ser).

Literature cited by the submitters: PubMed 25164765 (cited by Quest Diagnostics Nichols Institute San Juan Capistrano).